The following is an entry in ClinVar:

ClinVar aggregate classification (germline): Benign/Likely benign. Review status: criteria provided, multiple submitters, no conflicts (2 of 4 stars). 7 submissions from 7 submitters: Benign (1); Likely benign (6). Last evaluated 2026-05-20.

Conditions:
Hereditary cancer-predisposing syndrome. Also called: Neoplastic Syndromes, Hereditary; Tumor predisposition; Hereditary Cancer Syndrome; Hereditary neoplastic syndrome. Identifiers: Orphanet 140162, MedGen C0027672, MeSH D009386, MONDO:0015356.
Neurofibromatosis, type 1 (NF1). Also called: VON RECKLINGHAUSEN DISEASE; NEUROFIBROMATOSIS, TYPE I, SOMATIC; Peripheral type neurofibromatosis; Neurofibromatosis, type I. Identifiers: Orphanet 636, MedGen C0027831, MONDO:0018975, OMIM 162200. Disease mechanism: loss of function.

Allele frequency attached by ClinVar (database versions not stated): gnomAD exomes below 0.00001 and 0.00002; TOPMed below 0.00001; ExAC 0.00001.
gnomAD v4.1: 5 of 1,614,202 alleles (0.00031%); highest among the groups gnomAD compares: Non-Finnish European, 0.00042%; no homozygotes.

Submissions (7):

Myriad Genetics, Inc.
Classification: Benign for Neurofibromatosis, type 1. Last evaluated: 2026-05-20. Review status: criteria provided, single submitter. Criteria: Myriad Autosomal Dominant, Autosomal Recessive and X-Linked Classification Criteria (2023). Collection method: clinical testing. Allele origin: unknown.
Comment: This variant is considered benign. This variant is a silent/synonymous amino acid change and it is not expected to impact splicing.

Labcorp Genetics (formerly Invitae), Labcorp
Classification: Likely benign for Neurofibromatosis, type 1. Last evaluated: 2025-11-17. Review status: criteria provided, single submitter. Criteria: Invitae Variant Classification Sherloc (09022015). Collection method: clinical testing. Allele origin: germline.

Genome-Nilou Lab
Classification: Likely benign for Neurofibromatosis, type 1. Last evaluated: 2022-03-15. Review status: criteria provided, single submitter. Criteria: ACMG Guidelines, 2015. Collection method: clinical testing. Allele origin: germline. Affected: no.

Blueprint Genetics
Classification: Likely benign. Last evaluated: 2022-02-16. Review status: criteria provided, single submitter. Criteria: ACMG Guidelines, 2015. Collection method: clinical testing. Allele origin: germline.

GeneDx
Classification: Likely benign. Last evaluated: 2020-09-26. Review status: criteria provided, single submitter. Criteria: GeneDx Variant Classification Process June 2021. Collection method: clinical testing. Allele origin: germline. Affected: yes.
Comment: This variant is associated with the following publications: (PMID: 10980545)

Women's Health and Genetics/Laboratory Corporation of America, LabCorp
Classification: Likely benign. Last evaluated: 2019-08-29. Review status: criteria provided, single submitter. Criteria: LabCorp Variant Classification Summary - May 2015. Collection method: clinical testing. Allele origin: germline.

Ambry Genetics
Classification: Likely benign for Hereditary cancer-predisposing syndrome. Last evaluated: 2015-04-03. Review status: criteria provided, single submitter. Criteria: Ambry Autosomal Dominant and X-Linked criteria (10/2015). Collection method: clinical testing. Allele origin: germline. Observed: 1 variant allele.

NM_001042492.3(NF1):c.5574A>G (p.Ala1858=)

Gene: NF1 (neurofibromin 1; plus strand). Cytogenetic location: 17q11.2.
Variant type: single nucleotide variant.
Coding change: c.5574A>G on transcript NM_001042492.3 (MANE Select); coding-DNA position 5574, A replaced by G.
Protein change: p.Ala1858=; no amino-acid change (alanine 1858 retained).
Molecular consequence: synonymous variant.
Genome position (GRCh38, 1-based): chr17:31,327,804, A>G. VCF-style: chr17-31327804-A-G. GRCh37 (hg19) VCF-style: chr17-29654822-A-G.
Other names: c.5511A>G, p.Ala1837= (NM_000267.4).
Identifiers: ClinVar variation 413018 (VCV000413018.19), dbSNP rs760561904, ClinGen allele CA8487191.